The following is an entry in ClinVar:

NM_004082.5(DCTN1):c.279+1G>A

Gene: DCTN1 (dynactin subunit 1; minus strand). Cytogenetic location: 2p13.1.
Variant type: single nucleotide variant.
Coding change: c.279+1G>A on transcript NM_004082.5 (MANE Select); the canonical splice donor site of the intron after coding-DNA position 279, G replaced by A.
Molecular consequence: splice donor variant.
Genome position (GRCh38, 1-based): chr2:74,377,999, C>T on the plus strand (G>A on the coding strand, the complement: DCTN1 is on the minus strand). VCF-style: chr2-74377999-C-T. GRCh37 (hg19) VCF-style: chr2-74605126-C-T.
Other names: c.228+1G>A (NM_001190836.2, NM_001378992.1, NM_001378991.1); c.279+1G>A (NM_001135040.3, NM_001190837.2).
Identifiers: ClinVar variation 804735 (VCV000804735.30), dbSNP rs1393363759, ClinGen allele CA347321491.

ClinVar aggregate classification (germline): Conflicting classifications of pathogenicity. Review status: criteria provided, conflicting classifications (1 of 4 stars). 3 submissions from 3 submitters: Pathogenic (1); Uncertain significance (2). Last evaluated 2024-03-01.

Conditions:
Amyotrophic lateral sclerosis type 1 (ALS1). Also called: AMYOTROPHIC LATERAL SCLEROSIS 1, FAMILIAL. Identifiers: Orphanet 803, MedGen C1862939, MONDO:0007103, OMIM 105400.
Neuronopathy, distal hereditary motor, type 7B. Also called: NEURONOPATHY, DISTAL HEREDITARY MOTOR, HARDING TYPE VIIB; NEUROPATHY, DISTAL HEREDITARY MOTOR, HARDING TYPE VIIB; NEUROPATHY, DISTAL HEREDITARY MOTOR, WITH VOCAL CORD PARALYSIS, HARDING TYPE VIIB; NEURONOPATHY, DISTAL HEREDITARY MOTOR, AUTOSOMAL DOMINANT 14; Distal Hereditary Motor Neuronopathy Type 7B (dHMN7B); HMN VIIB. Identifiers: Orphanet 139589, MedGen C1843315, MONDO:0011879, OMIM 607641.
Perry syndrome. Also called: PARKINSONISM WITH ALVEOLAR HYPOVENTILATION AND MENTAL DEPRESSION. Identifiers: Orphanet 178509, MedGen C1868594, MONDO:0008201, OMIM 168605.

Submissions (3):

CeGaT Center for Human Genetics Tuebingen
Classification: Uncertain significance. Last evaluated: 2024-03-01. Review status: criteria provided, single submitter. Criteria: CeGaT Center For Human Genetics Tuebingen Variant Classification Criteria Version 2. Collection method: clinical testing. Allele origin: germline. Affected: yes. Observed: 1 variant allele.
Comment: DCTN1: PM2

Labcorp Genetics (formerly Invitae), Labcorp
Classification: Pathogenic for Amyotrophic lateral sclerosis type 1; Neuronopathy, distal hereditary motor, type 7B; Perry syndrome. Last evaluated: 2023-08-03. Review status: criteria provided, single submitter. Criteria: Invitae Variant Classification Sherloc (09022015). Collection method: clinical testing. Allele origin: germline.
Comment: This sequence change affects a donor splice site in intron 2 of the DCTN1 gene. It is expected to disrupt RNA splicing. Variants that disrupt the donor or acceptor splice site typically lead to a loss of protein function (PMID: 16199547), however the current clinical and genetic evidence is not sufficient to establish whether loss-of-function variants in DCTN1 cause disease. This variant is not present in population databases (gnomAD no frequency). Disruption of this splice site has been observed in individual(s) with clinical features of hereditary motor neuropathy (PMID: 25590979; Invitae). In at least one individual the variant was observed to be de novo. It has also been observed to segregate with disease in related individuals. ClinVar contains an entry for this variant (Variation ID: 804735). For these reasons, this variant has been classified as Pathogenic. Algorithms developed to predict the effect of sequence changes on RNA splicing suggest that this variant may disrupt the consensus splice site.

Athena Diagnostics
Classification: Uncertain significance. Last evaluated: 2019-04-12. Review status: criteria provided, single submitter. Criteria: Athena Diagnostics Criteria. Collection method: clinical testing. Allele origin: germline.

Literature cited by the submitters: PubMed 16199547 (cited by Labcorp Genetics (formerly Invitae), Labcorp); PubMed 25590979 (cited by Labcorp Genetics (formerly Invitae), Labcorp).